The following is an entry in ClinVar:

ClinVar aggregate classification (germline): Uncertain significance (1 of 4 stars; one submission).

Submission:

Labcorp Genetics (formerly Invitae), Labcorp
Classification: Uncertain significance. Last evaluated: 2023-01-11. Review status: criteria provided, single submitter. Criteria: Invitae Variant Classification Sherloc (09022015). Collection method: clinical testing. Allele origin: germline.
Comment: In summary, the available evidence is currently insufficient to determine the role of this variant in disease. Therefore, it has been classified as a Variant of Uncertain Significance. Experimental studies and prediction algorithms are not available or were not evaluated, and the effect of this variant on mRNA splicing is currently unknown. This variant has not been reported in the literature in individuals affected with DSG1-related conditions. This variant is not present in population databases (gnomAD no frequency). This sequence change falls in intron 6 of the DSG1 gene. It does not directly change the encoded amino acid sequence of the DSG1 protein.

NM_001942.4(DSG1):c.684+16_684+17insTTTTTTTTTTTTTTTTTTTTNNNNNNNNNNCCTCATGATCCGCCCGCCTCGGCCTCCCAAAGTGCTGGGATTACAGGCGTGAGCCACCGCGCCCGGCCAATTCTTTTTCTTT

Gene: DSG1 (desmoglein 1; plus strand). Cytogenetic location: 18q12.1.
Variant type: Insertion.
Coding change: c.684+16_684+17insTTTTTTTTTTTTTTTTTTTTNNNNNNNNNNCCTCATGATCCGCCCGCCTCGGCCTCCCAAAGTGCTGGGATTACAGGCGTGAGCCACCGCGCCCGGCCAATTCTTTTTCTTT on transcript NM_001942.4 (MANE Select); bases 16 to 17 of the intron after coding-DNA position 684, TTTTTTTTTTTTTTTTTTTTNNNNNNNNNNCCTCATGATCCGCCCGCCTCGGCCTCCCAAAGTGCTGGGATTACAGGCGTGAGCCACCGCGCCCGGCCAATTCTTTTTCTTT inserted.
Molecular consequence: intron variant.
Genome position: GRCh38: chr18:31,331,883-31,331,884. GRCh37 (hg19): chr18:28,911,846-28,911,847.
Identifiers: ClinVar variation 2002075 (VCV002002075.4), dbSNP rs2511046037.